The following is an entry in ClinVar:

ClinVar aggregate classification (germline): Benign/Likely benign. Review status: criteria provided, multiple submitters, no conflicts (2 of 4 stars). 4 submissions from 4 submitters: Benign (1); Likely benign (3). Last evaluated 2025-12-31.

Conditions:
Frasier syndrome. Identifiers: Orphanet 347, MedGen C0950122, MeSH D052159, MONDO:0007635, OMIM 136680.
Drash syndrome (DDS). Also called: NEPHROPATHY, WILMS TUMOR, AND GENITAL ANOMALIES; WILMS TUMOR AND PSEUDO- OR TRUE HERMAPHRODITISM. Identifiers: Orphanet 220, MedGen C0950121, MONDO:0008682, OMIM 194080.
Wilms tumor 1 (WT1). Also called: Wilms tumor, somatic. Identifiers: Orphanet 654, MedGen CN033288, MONDO:0008679, OMIM 194070.
11p partial monosomy syndrome (WAGR). Also called: WAGR syndrome; WAGR Complex; CHROMOSOME 11p13 DELETION SYNDROME; WAGR Spectrum Disorder. Identifiers: Orphanet 893, MedGen C0206115, MONDO:0008681, OMIM 194072.
Inborn genetic diseases. Identifiers: MedGen C0950123, MeSH D030342.

Allele frequency attached by ClinVar (database versions not stated): gnomAD exomes below 0.00001; TOPMed below 0.00001.

Submissions (4):

Labcorp Genetics (formerly Invitae), Labcorp
Classification: Likely benign for Wilms tumor 1; Drash syndrome; 11p partial monosomy syndrome; Frasier syndrome. Last evaluated: 2025-12-31. Review status: criteria provided, single submitter. Criteria: Invitae Variant Classification Sherloc (09022015). Collection method: clinical testing. Allele origin: germline.

Ambry Genetics
Classification: Likely benign for Inborn genetic diseases. Last evaluated: 2025-04-20. Review status: criteria provided, single submitter. Criteria: Ambry Variant Classification Scheme 2023. Collection method: clinical testing. Allele origin: germline.

KCCC/NGS Laboratory, Kuwait Cancer Control Center
Classification: Benign for Wilms tumor 1. Last evaluated: 2025-02-01. Review status: criteria provided, single submitter. Criteria: ACMG Guidelines, 2015. Collection method: clinical testing. Allele origin: germline. Affected: no.

All of Us Research Program, National Institutes of Health
Classification: Likely benign for Wilms tumor 1. Last evaluated: 2023-09-17. Review status: criteria provided, single submitter. Criteria: ACMG Guidelines, 2015. Collection method: clinical testing. Allele origin: germline. Inheritance: Autosomal dominant inheritance. Observed: 1 variant allele, 1 heterozygote.
Comment: This study involves interpretation of variants in research participants for the purpose of population health screening. Participant phenotype was not available at the time of variant classification. Additional details can be found in publication PMID: 35346344, PMCID: PMC8962531

NM_024426.6(WT1):c.789G>A (p.Glu263=)

Gene: WT1 (WT1 transcription factor; minus strand). Cytogenetic location: 11p13.
Variant type: single nucleotide variant.
Coding change: c.789G>A on transcript NM_024426.6 (MANE Select); coding-DNA position 789, G replaced by A.
Protein change: p.Glu263=; no amino-acid change (glutamic acid 263 retained).
Molecular consequence: synonymous variant. On other transcripts: non-coding transcript variant (2).
Genome position (GRCh38, 1-based): chr11:32,428,054, C>T on the plus strand (G>A on the coding strand, the complement: WT1 is on the minus strand). VCF-style: chr11-32428054-C-T. GRCh37 (hg19) VCF-style: chr11-32449600-C-T.
Other names: c.789G>A, p.Glu263= (NM_000378.6, NM_001407044.1, NM_001407045.1 and 4 more transcripts); c.138G>A, p.Glu46= (NM_001198551.2, NM_001198552.2); c.666G>A, p.Glu222= (NM_001407047.1, NM_001407050.1); c.27G>A, p.Glu9= (NM_001407051.1); c.774G>A, p.Glu258= (NM_024425.2).
Identifiers: ClinVar variation 241488 (VCV000241488.13), dbSNP rs878855087, ClinGen allele CA10582912.
Genomic context (GRCh38, chr11:32,428,054, plus strand): 5'-GGTGCAGCTGTCGGTGGGGGTGTGGCAGCCATAGACCGGGGGCGGCACCGAGTACTGCTG[C>T]TCACCTGCAGAGAGAACCGAAGACAGCTGAGCGAGTGCGCCCCAAGGGCTCGGGGTGCGA-3'
Protein context (NP_077744.4, residues 253-273): DPMGQQGSLG[Glu263=]QQYSVPPPVY